The following is an entry in ClinVar:

NM_001145809.2(MYH14):c.4694G>A (p.Arg1565Gln)

Gene: MYH14 (myosin heavy chain 14; plus strand). Cytogenetic location: 19q13.33.
Variant type: single nucleotide variant.
Coding change: c.4694G>A on transcript NM_001145809.2 (MANE Select); coding-DNA position 4694, G replaced by A.
Protein change: p.Arg1565Gln; replaces arginine 1565 with glutamine.
Molecular consequence: missense variant.
Genome position (GRCh38, 1-based): chr19:50,286,636, G>A. VCF-style: chr19-50286636-G-A. GRCh37 (hg19) VCF-style: chr19-50789893-G-A.
Other names: c.4571G>A (NM_024729.3); c.4595G>A, p.Arg1532Gln (NM_001077186.2); c.4571G>A, p.Arg1524Gln (NM_024729.4); short protein forms R1565Q, R1532Q, R1524Q.
Identifiers: ClinVar variation 504618 (VCV000504618.10), dbSNP rs374911327, ClinGen allele CA9593574.
Genomic context (GRCh38, chr19:50,286,636, plus strand): 5'-CACTGACACGGGCACTGGAGGAGGAGCAGGAGGCACGTGAGGAGCTGGAGCGGCAGAACC[G>A]GGCCCTGCGGGCTGAGCTGGAGGCACTGCTGAGCAGCAAGGATGACGTCGGCAAGAGCGT-3'
Protein context (NP_001139281.1, residues 1555-1575): EAREELERQN[Arg1565Gln]ALRAELEALL

ClinVar aggregate classification (germline): Uncertain significance. Review status: criteria provided, multiple submitters, no conflicts (2 of 4 stars). 4 submissions from 4 submitters: Uncertain significance (3). 1 of the submissions does not count toward it. Last evaluated 2025-04-24.

Conditions:
Inborn genetic diseases. Identifiers: MedGen C0950123, MeSH D030342.
MYH14-related disorder. Also called: MYH14-related condition.

Allele frequency attached by ClinVar (database versions not stated): gnomAD exomes 0.00001; ExAC 0.00002; gnomAD 0.00002; TOPMed 0.00002; ESP Exome Variant Server 0.00008.
gnomAD v4.1: 11 of 1,592,224 alleles (0.00069%); highest among the groups gnomAD compares: East Asian, 0.0023%; no homozygotes.

Submissions (4):

Labcorp Genetics (formerly Invitae), Labcorp
Classification: Uncertain significance. Last evaluated: 2025-04-24. Review status: criteria provided, single submitter. Criteria: Invitae Variant Classification Sherloc (09022015). Collection method: clinical testing. Allele origin: germline.
Comment: This sequence change replaces arginine, which is basic and polar, with glutamine, which is neutral and polar, at codon 1524 of the MYH14 protein (p.Arg1524Gln). The frequency data for this variant in the population databases is considered unreliable, as metrics indicate poor data quality at this position in the gnomAD database. This variant has not been reported in the literature in individuals affected with MYH14-related conditions. ClinVar contains an entry for this variant (Variation ID: 504618). Invitae Evidence Modeling of protein sequence and biophysical properties (such as structural, functional, and spatial information, amino acid conservation, physicochemical variation, residue mobility, and thermodynamic stability) has been performed for this missense variant. However, the output from this modeling did not meet the statistical confidence thresholds required to predict the impact of this variant on MYH14 protein function. In summary, the available evidence is currently insufficient to determine the role of this variant in disease. Therefore, it has been classified as a Variant of Uncertain Significance.

Ambry Genetics
Classification: Uncertain significance for Inborn genetic diseases. Last evaluated: 2021-06-22. Review status: criteria provided, single submitter. Criteria: Ambry Variant Classification Scheme 2023. Collection method: clinical testing. Allele origin: germline.

Laboratory for Molecular Medicine, Mass General Brigham Personalized Medicine
Classification: Uncertain significance. Last evaluated: 2017-10-26. Review status: criteria provided, single submitter. Criteria: LMM Criteria. Collection method: clinical testing. Allele origin: germline. Observed: 1 variant allele.
Comment: The p.Arg1565Gln variant in MYH14 has not been previously reported in individual s with hearing loss, but has been identified in 1/1622 East Asian chromosomes by the Genome Aggregation Database (gnomAD; dbSN P rs374911327). Although this variant has been seen in the general population, i ts frequency is not high enough to rule out a pathogenic role. Computational pre diction tools and conservation analysis do not provide strong support for or aga inst an impact to the protein. In summary, the clinical significance of the p.Ar g1565Gln variant is uncertain. ACMG/AMP Criteria applied: PM2 (Richards 2015).

PreventionGenetics, part of Exact Sciences
Classification: Uncertain significance for MYH14-related condition. Last evaluated: 2024-08-14. Review status: no assertion criteria provided. Collection method: clinical testing. Allele origin: germline. Not counted in ClinVar's aggregate classification.
Comment: The MYH14 c.4694G>A variant is predicted to result in the amino acid substitution p.Arg1565Gln. To our knowledge, this variant has not been reported in the literature. This variant is reported in 0.0059% of alleles in individuals of East Asian descent in gnomAD. At this time, the clinical significance of this variant is uncertain due to the absence of conclusive functional and genetic evidence.